The following is an entry in ClinVar:

ClinVar aggregate classification (germline): Uncertain significance (1 of 4 stars; one submission).

Submission:

Labcorp Genetics (formerly Invitae), Labcorp
Classification: Uncertain significance. Last evaluated: 2025-05-11. Review status: criteria provided, single submitter. Criteria: Invitae Variant Classification Sherloc (09022015). Collection method: clinical testing. Allele origin: germline.
Comment: This sequence change replaces serine, which is neutral and polar, with proline, which is neutral and non-polar, at codon 715 of the STAT4 protein (p.Ser715Pro). This variant is not present in population databases (gnomAD no frequency). This variant has not been reported in the literature in individuals affected with STAT4-related conditions. An algorithm developed to predict the effect of missense changes on protein structure and function (PolyPhen-2) suggests that this variant is likely to be disruptive. In summary, the available evidence is currently insufficient to determine the role of this variant in disease. Therefore, it has been classified as a Variant of Uncertain Significance.

NM_003151.4(STAT4):c.2143T>C (p.Ser715Pro)

Genes: STAT4 (signal transducer and activator of transcription 4; minus strand), STAT4-AS1 (STAT4 antisense RNA 1; plus strand). Cytogenetic location: 2q32.2.
Variant type: single nucleotide variant.
Coding change: c.2143T>C on transcript NM_003151.4 (MANE Select); coding-DNA position 2143, T replaced by C.
Protein change: p.Ser715Pro; replaces serine 715 with proline.
Molecular consequence: missense variant. On other transcripts: non-coding transcript variant (1).
Genome position (GRCh38, 1-based): chr2:191,031,049, A>G on the plus strand (T>C on the coding strand, the complement: STAT4 is on the minus strand). VCF-style: chr2-191031049-A-G. GRCh37 (hg19) VCF-style: chr2-191895775-A-G.
Other names: c.2143T>C, p.Ser715Pro (NM_001243835.2); short protein forms S715P.
Identifiers: ClinVar variation 4772404 (VCV004772404.1).
Genomic context (GRCh38, chr2:191,031,049, plus strand): 5'-TGGGACTCAGGTTTTCTCTCAACACCGCATACACACTTGGAGACATGGGAAGAAGGTCTG[A>G]TGGAGAATGTGGCTCTGTTGAATCACTTCGGCTTAAAGAGATAACAAGGTCAATATGGAC-3'
Protein context (NP_003142.1, residues 705-725): RSDSTEPHSP[Ser715Pro]DLLPMSPSVY